The following is an entry in ClinVar:

ClinVar aggregate classification (germline): Uncertain significance (1 of 4 stars; one submission).

Conditions:
Familial thoracic aortic aneurysm and aortic dissection (TAAD). Also called: Thoracic aortic aneurysms and dissections. Identifiers: Orphanet 91387, MedGen C4707243, MONDO:0019625.

Allele frequency attached by ClinVar (database versions not stated): gnomAD exomes below 0.00001.

Submission:

All of Us Research Program, National Institutes of Health
Classification: Uncertain significance for Familial thoracic aortic aneurysm and aortic dissection. Last evaluated: 2023-11-30. Review status: criteria provided, single submitter. Criteria: ACMG Guidelines, 2015. Collection method: clinical testing. Allele origin: germline. Inheritance: Autosomal dominant inheritance. Observed: 2 variant alleles, 2 heterozygotes.
Comment: This variant causes an in-frame deletion of four amino acids at exon 39 in the MYH11 protein. To our knowledge, functional studies have not been reported for this variant. This variant has not been reported in individuals affected with MYH11-related disorders in the literature. This variant has not been identified in the general population by the Genome Aggregation Database (gnomAD). The available evidence is insufficient to determine the role of this variant in disease conclusively. Therefore, this variant is classified as a Variant of Uncertain Significance.

This study involves interpretation of variants in research participants for the purpose of population health screening. Participant phenotype was not available at the time of variant classification. Additional details can be found in publication PMID: 35346344, PMCID: PMC8962531

NM_002474.3(MYH11):c.5422_5433del (p.Val1808_Lys1811del)

Genes: NDE1 (nudE neurodevelopment protein 1; plus strand), MYH11 (myosin heavy chain 11; minus strand). Cytogenetic location: 16p13.11.
Variant type: Deletion.
Coding change: c.5422_5433del on transcript NM_002474.3 (MANE Select); coding-DNA positions 5422 to 5433, 12 bases deleted (GTCAAGTCCAAG).
Protein change: p.Val1808_Lys1811del.
Molecular consequence: inframe deletion. On other transcripts: intron variant (2).
Genome position (GRCh38, 1-based): chr16:15,717,211-15,717,222, CTTGGACTTGAC deleted on the plus strand (GTCAAGTCCAAG on the coding strand, the reverse complement: MYH11 is on the minus strand). VCF-style (leftmost placement, unchanged base first): chr16-15717210-ACTTGGACTTGAC-A. GRCh37 (hg19) VCF-style: chr16-15811067-ACTTGGACTTGAC-A.
Other names: c.5443_5454del, p.Val1815_Lys1818del (NM_001040113.2, NM_001040114.2); c.5422_5433del, p.Val1808_Lys1811del (NM_022844.3); c.948-6980_948-6969del (NM_001143979.2, NM_017668.3).
Identifiers: ClinVar variation 3070075 (VCV003070075.1), dbSNP rs2506083205, ClinGen allele CA2631932302.